The following is an entry in ClinVar:

ClinVar aggregate classification (germline): Pathogenic (1 of 4 stars; one submission).

Conditions:
Usher syndrome type 1D (USH1D). Also called: USHER SYNDROME, TYPE ID. Identifiers: Orphanet 231169, Orphanet 886, MedGen C1832845, MONDO:0010984, OMIM 601067.
Autosomal recessive nonsyndromic hearing loss 23. Identifiers: Orphanet 90636, MedGen C1836027, MONDO:0012293, OMIM 609533.

Submission:

Human Genetics Bochum, Ruhr University Bochum
Classification: Pathogenic for Usher syndrome type 1D; Autosomal recessive nonsyndromic hearing loss 23. Last evaluated: 2025-06-10. Review status: criteria provided, single submitter. Criteria: ACMG Guidelines, 2015. Collection method: clinical testing. Allele origin: germline. Affected: yes.
Comment: in homozygous state; ACMG criteria used to clasify this variant: PVS1, PM3, PM2_SUP

NM_001384140.1(PCDH15):c.3844del (p.Ala1282fs)

Gene: PCDH15 (protocadherin related 15; minus strand). Cytogenetic location: 10q21.1.
Variant type: Deletion.
Coding change: c.3844del on transcript NM_001384140.1 (MANE Select); coding-DNA position 3844, one base deleted (G; older notation c.3844delG).
Protein change: p.Ala1282fs; shifts the reading frame from alanine 1282.
Molecular consequence: frameshift variant.
Genome position (GRCh38, 1-based): chr10:53,840,459, C deleted on the plus strand (G on the coding strand, the reverse complement: PCDH15 is on the minus strand). VCF-style (leftmost placement, unchanged base first): chr10-53840458-GC-G. GRCh37 (hg19) VCF-style: chr10-55600218-GC-G.
Other names: c.3859del, p.Ala1287fs (NM_001142763.2, NM_001142771.2); c.3844del, p.Ala1282fs (NM_001142764.2, NM_001142766.2, NM_001142770.3 and 4 more transcripts); c.3631del, p.Ala1211fs (NM_001142765.2); c.3733del, p.Ala1245fs (NM_001142767.2); c.3778del, p.Ala1260fs (NM_001142768.2, NM_001142773.2, NM_001354404.2); c.3880delG, p.Ala1294Profs (NM_001142769.4); c.3865del, p.Ala1289fs (NM_001354411.2); short protein forms A1211fs, A1245fs, A1260fs, A1282fs, A1287fs, A1289fs, A1294fs.
Identifiers: ClinVar variation 4687925 (VCV004687925.1).